The following is an entry in ClinVar:

NM_018192.4(P3H2):c.275A>C (p.His92Pro)

Gene: P3H2 (prolyl 3-hydroxylase 2; minus strand). Cytogenetic location: 3q28.
Variant type: single nucleotide variant.
Coding change: c.275A>C on transcript NM_018192.4 (MANE Select); coding-DNA position 275, A replaced by C.
Protein change: p.His92Pro; replaces histidine 92 with proline.
Molecular consequence: missense variant. On other transcripts: intron variant (1).
Genome position (GRCh38, 1-based): chr3:190,120,457, T>G on the plus strand (A>C on the coding strand, the complement: P3H2 is on the minus strand). VCF-style: chr3-190120457-T-G. GRCh37 (hg19) VCF-style: chr3-189838246-T-G.
Other names: c.-64+1746A>C (NM_001134418.2); short protein forms H92P.
Identifiers: ClinVar variation 1053344 (VCV001053344.5), dbSNP rs1712513821, ClinGen allele CA355859815.

ClinVar aggregate classification (germline): Uncertain significance (1 of 4 stars; one submission).

Allele frequency attached by ClinVar (database versions not stated): gnomAD exomes below 0.00001; gnomAD 0.00001.

Submission:

Labcorp Genetics (formerly Invitae), Labcorp
Classification: Uncertain significance. Last evaluated: 2024-10-17. Review status: criteria provided, single submitter. Criteria: Invitae Variant Classification Sherloc (09022015). Collection method: clinical testing. Allele origin: germline.
Comment: This sequence change replaces histidine, which is basic and polar, with proline, which is neutral and non-polar, at codon 92 of the P3H2 protein (p.His92Pro). This variant is not present in population databases (gnomAD no frequency). This variant has not been reported in the literature in individuals affected with P3H2-related conditions. ClinVar contains an entry for this variant (Variation ID: 1053344). Invitae Evidence Modeling of protein sequence and biophysical properties (such as structural, functional, and spatial information, amino acid conservation, physicochemical variation, residue mobility, and thermodynamic stability) indicates that this missense variant is not expected to disrupt P3H2 protein function with a negative predictive value of 80%. In summary, the available evidence is currently insufficient to determine the role of this variant in disease. Therefore, it has been classified as a Variant of Uncertain Significance.